The following is an entry in ClinVar:

NM_000414.4(HSD17B4):c.761G>A (p.Gly254Glu)

Gene: HSD17B4 (hydroxysteroid 17-beta dehydrogenase 4; plus strand). Cytogenetic location: 5q23.1.
Variant type: single nucleotide variant.
Coding change: c.761G>A on transcript NM_000414.4 (MANE Select); coding-DNA position 761, G replaced by A.
Protein change: p.Gly254Glu; replaces glycine 254 with glutamic acid.
Molecular consequence: missense variant. On other transcripts: non-coding transcript variant (2).
Genome position (GRCh38, 1-based): chr5:119,493,839, G>A. VCF-style: chr5-119493839-G-A. GRCh37 (hg19) VCF-style: chr5-118829534-G-A.
Other names: c.836G>A, p.Gly279Glu (NM_001199291.3); c.707G>A, p.Gly236Glu (NM_001199292.2); c.689G>A, p.Gly230Glu (NM_001292027.2); c.341G>A, p.Gly114Glu (NM_001292028.2); c.752G>A, p.Gly251Glu (NM_001374497.1); c.761G>A, p.Gly254Glu (NM_001374498.1); c.434G>A, p.Gly145Glu (NM_001374499.1); c.320G>A, p.Gly107Glu (NM_001374500.1); and 1 more; short protein forms G251E, G254E, G145E, G107E, G230E, G279E, G114E, G117E.
Identifiers: ClinVar variation 1951595 (VCV001951595.5), dbSNP rs2531703985, ClinGen allele CA360867188.

ClinVar aggregate classification (germline): Uncertain significance (1 of 4 stars; one submission).

Conditions:
Perrault syndrome. Also called: Gonadal dysgenesis with auditory dysfunction, autosomal recessive inheritance. Identifiers: Orphanet 2855, MedGen C0685838, MONDO:0017312.
Bifunctional peroxisomal enzyme deficiency (DBIF). Also called: PBFE DEFICIENCY; D-bifunctional protein deficiency; DBP DEFICIENCY. Identifiers: Orphanet 300, MedGen C0342870, MONDO:0009855, OMIM 261515. Disease mechanism: loss of function.

Submission:

Labcorp Genetics (formerly Invitae), Labcorp
Classification: Uncertain significance for Perrault syndrome; Bifunctional peroxisomal enzyme deficiency. Last evaluated: 2022-11-08. Review status: criteria provided, single submitter. Criteria: Invitae Variant Classification Sherloc (09022015). Collection method: clinical testing. Allele origin: germline.
Comment: This sequence change replaces glycine, which is neutral and non-polar, with glutamic acid, which is acidic and polar, at codon 254 of the HSD17B4 protein (p.Gly254Glu). In summary, the available evidence is currently insufficient to determine the role of this variant in disease. Therefore, it has been classified as a Variant of Uncertain Significance. Advanced modeling of protein sequence and biophysical properties (such as structural, functional, and spatial information, amino acid conservation, physicochemical variation, residue mobility, and thermodynamic stability) performed at Invitae indicates that this missense variant is expected to disrupt HSD17B4 protein function. This variant has not been reported in the literature in individuals affected with HSD17B4-related conditions. This variant is not present in population databases (gnomAD no frequency).